The following is an entry in ClinVar:

NM_004360.5(CDH1):c.2440-5T>C

Gene: CDH1 (cadherin 1; plus strand). Cytogenetic location: 16q22.1.
Variant type: single nucleotide variant.
Coding change: c.2440-5T>C on transcript NM_004360.5 (MANE Select); 5 bases into the intron before coding-DNA position 2440, T replaced by C.
Molecular consequence: intron variant.
Genome position (GRCh38, 1-based): chr16:68,833,285, T>C. VCF-style: chr16-68833285-T-C. GRCh37 (hg19) VCF-style: chr16-68867188-T-C.
Other names: c.892-5T>C (NM_001317185.2); c.475-5T>C (NM_001317186.2); c.2257-5T>C (NM_001317184.2).
Identifiers: ClinVar variation 821283 (VCV000821283.14), dbSNP rs1596976081, ClinGen allele CA915949331.

ClinVar aggregate classification (germline): Likely benign. Review status: criteria provided, multiple submitters, no conflicts (2 of 4 stars). 3 submissions from 3 submitters: Likely benign (3). Last evaluated 2024-09-24.

Conditions:
Hereditary cancer-predisposing syndrome. Also called: Hereditary Cancer Syndrome; Neoplastic Syndromes, Hereditary; Hereditary neoplastic syndrome; Tumor predisposition. Identifiers: Orphanet 140162, MedGen C0027672, MeSH D009386, MONDO:0015356.
Hereditary diffuse gastric adenocarcinoma (HDGC). Also called: DIFFUSE GASTRIC AND LOBULAR BREAST CANCER SYNDROME. Identifiers: Orphanet 26106, MedGen C1708349, MONDO:0007648, OMIM 137215.

Submissions (3):

Myriad Genetics, Inc.
Classification: Likely benign for Hereditary diffuse gastric adenocarcinoma. Last evaluated: 2024-09-24. Review status: criteria provided, single submitter. Criteria: Myriad Autosomal Dominant, Autosomal Recessive and X-Linked Classification Criteria (2023). Collection method: clinical testing. Allele origin: unknown.
Comment: This variant is considered likely benign. This variant is intronic and is not expected to impact mRNA splicing.

Ambry Genetics
Classification: Likely benign for Hereditary cancer-predisposing syndrome. Last evaluated: 2022-10-18. Review status: criteria provided, single submitter. Criteria: Ambry Variant Classification Scheme 2023. Collection method: clinical testing. Allele origin: germline.

Labcorp Genetics (formerly Invitae), Labcorp
Classification: Likely benign for Hereditary diffuse gastric adenocarcinoma. Last evaluated: 2020-03-08. Review status: criteria provided, single submitter. Criteria: Invitae Variant Classification Sherloc (09022015). Collection method: clinical testing. Allele origin: germline.